The following is an entry in ClinVar:

ClinVar aggregate classification (germline): Uncertain significance (0 of 4 stars; one submission).

Conditions:
COL2A1-related disorder. Also called: COL2A1-related condition; COL2A1-related disorders.

Allele frequency attached by ClinVar (database versions not stated): TOPMed 0.00001.
gnomAD v4.1: 1 of 1,614,074 alleles (0.000062%); highest among the groups gnomAD compares: African/African-American, 0.0013%; no homozygotes.

Submission:

PreventionGenetics, part of Exact Sciences
Classification: Uncertain significance for COL2A1-related condition. Last evaluated: 2023-10-30. Review status: no assertion criteria provided. Collection method: clinical testing. Allele origin: germline.
Comment: The COL2A1 c.371C>G variant is predicted to result in the amino acid substitution p.Pro124Arg. To our knowledge, this variant has not been reported in the literature. This variant is reported in 0.0062% of alleles in individuals of African descent in gnomAD. At this time, the clinical significance of this variant is uncertain due to the absence of conclusive functional and genetic evidence.

NM_001844.5(COL2A1):c.371C>G (p.Pro124Arg)

Gene: COL2A1 (collagen type II alpha 1 chain; minus strand). Cytogenetic location: 12q13.11.
Variant type: single nucleotide variant.
Coding change: c.371C>G on transcript NM_001844.5 (MANE Select); coding-DNA position 371, C replaced by G.
Protein change: p.Pro124Arg; replaces proline 124 with arginine.
Molecular consequence: missense variant.
Genome position (GRCh38, 1-based): chr12:47,998,036, G>C on the plus strand (C>G on the coding strand, the complement: COL2A1 is on the minus strand). VCF-style: chr12-47998036-G-C. GRCh37 (hg19) VCF-style: chr12-48391819-G-C.
Other names: c.164C>G, p.Pro55Arg (NM_033150.3); short protein forms P124R, P55R.
Identifiers: ClinVar variation 3029909 (VCV003029909.2), dbSNP rs754127735, ClinGen allele CA6535975.